The following is an entry in ClinVar:

ClinVar aggregate classification (germline): Likely pathogenic (1 of 4 stars; one submission).

Conditions:
Hereditary spastic paraplegia 15 (SPG15). Also called: SPASTIC PARAPLEGIA 15, AUTOSOMAL RECESSIVE; KJELLIN SYNDROME; SPASTIC PARAPLEGIA AND RETINAL DEGENERATION. Identifiers: Orphanet 100996, MedGen C1849128, MONDO:0010044, OMIM 270700.

Submission:

Myriad Genetics, Inc.
Classification: Likely pathogenic for Hereditary spastic paraplegia 15. Last evaluated: 2022-01-02. Review status: criteria provided, single submitter. Criteria: Myriad Women's Health Autosomal Recessive and X-Linked Classification Criteria (2021). Collection method: clinical testing. Allele origin: unknown.
Comment: NM_015346.3(ZFYVE26):c.6623delT(F2208Sfs*17) is expected to be pathogenic in the context of spastic paraplegia type 15. This variant is predicted to lead to an abnormal or absent protein product due to the creation of a premature termination codon in ZFYVE26, a gene where loss-of-function variants are known to be pathogenic. Please note: this variant was assessed in the context of healthy population screening.

NM_015346.4(ZFYVE26):c.6623del (p.Phe2208fs)

Gene: ZFYVE26 (zinc finger FYVE-type containing 26; minus strand). Cytogenetic location: 14q24.1.
Variant type: Deletion.
Coding change: c.6623del on transcript NM_015346.4 (MANE Select); coding-DNA position 6623, one base deleted (T; older notation c.6623delT).
Protein change: p.Phe2208fs; shifts the reading frame from phenylalanine 2208.
Molecular consequence: frameshift variant.
Genome position (GRCh38, 1-based): chr14:67,756,111, A deleted on the plus strand (T on the coding strand, the reverse complement: ZFYVE26 is on the minus strand); the first of 4 consecutive A bases (chr14:67,756,111-67,756,114); deleting any one gives the same sequence. VCF-style (leftmost placement, unchanged base first): chr14-67756110-GA-G. GRCh37 (hg19) VCF-style: chr14-68222827-GA-G.
Other names: short protein forms F2208fs.
Identifiers: ClinVar variation 1726897 (VCV001726897.2), dbSNP rs2503944921, ClinGen allele CA2580088664.